The following is an entry in ClinVar:

NM_004530.6(MMP2):c.1345C>T (p.Pro449Ser)

Gene: MMP2 (matrix metallopeptidase 2; plus strand). Cytogenetic location: 16q12.2.
Variant type: single nucleotide variant.
Coding change: c.1345C>T on transcript NM_004530.6 (MANE Select); coding-DNA position 1345, C replaced by T.
Protein change: p.Pro449Ser; replaces proline 449 with serine.
Molecular consequence: missense variant.
Genome position (GRCh38, 1-based): chr16:55,493,166, C>T. VCF-style: chr16-55493166-C-T. GRCh37 (hg19) VCF-style: chr16-55527078-C-T.
Other names: c.1195C>T, p.Pro399Ser (NM_001127891.3); c.1117C>T, p.Pro373Ser (NM_001302508.1, NM_001302509.2, NM_001302510.2); short protein forms P373S, P399S, P449S.
Identifiers: ClinVar variation 3234888 (VCV003234888.1), dbSNP rs1596819943, ClinGen allele CA395937011.

ClinVar aggregate classification (germline): Uncertain significance (1 of 4 stars; one submission).

Conditions:
Multicentric osteolysis, nodulosis, and arthropathy (MONA). Also called: TORG SYNDROME; AL-AQEEL SEWAIRI SYNDROME; OSTEOLYSIS, HEREDITARY MULTICENTRIC; NAO SYNDROME; Torg-Winchester syndrome. Identifiers: MedGen CN322832, MONDO:0009809, OMIM 259600.

Submission:

Neuberg Centre For Genomic Medicine, NCGM
Classification: Uncertain significance for Multicentric osteolysis, nodulosis, and arthropathy. Review status: criteria provided, single submitter. Criteria: ACMG Guidelines, 2015. Collection method: clinical testing. Allele origin: germline. Inheritance: Autosomal recessive inheritance. Affected: yes.
Comment: The missense c.1345C>T p.Pro449Ser variant in MMP2 gene has not been reported previously as a pathogenic variant nor as a benign variant, to our knowledge. The p.Pro449Ser variant is novel not in any individuals in both gnomAD Exomes and 1000 Genomes databases. This variant has not been reported to the ClinVar database. The amino acid change p.Pro449Ser in MMP2 is predicted as conserved by GERP++ and PhyloP across 100 vertebrates. The amino acid Pro at position 449 is changed to a Ser changing protein sequence and it might alter its composition and physico-chemical properties. For these reasons, this variant is classified as a Variant of Uncertain Significance VUS.